The following is an entry in ClinVar:

ClinVar aggregate classification (germline): Uncertain significance (0 of 4 stars; one submission).

Conditions:
RPS6KA3-related disorder. Also called: RPS6KA3-related condition.

Submission:

PreventionGenetics, part of Exact Sciences
Classification: Uncertain significance for RPS6KA3-related condition. Last evaluated: 2024-06-21. Review status: no assertion criteria provided. Collection method: clinical testing. Allele origin: germline.
Comment: The RPS6KA3 c.455G>A variant is predicted to result in the amino acid substitution p.Gly152Glu. To our knowledge, this variant has not been reported in the literature or in a large population database, indicating this variant is rare. At this time, the clinical significance of this variant is uncertain due to the absence of conclusive functional and genetic evidence.

NM_004586.3(RPS6KA3):c.455G>A (p.Gly152Glu)

Gene: RPS6KA3 (ribosomal protein S6 kinase A3; minus strand). Cytogenetic location: Xp22.12.
Variant type: single nucleotide variant.
Coding change: c.455G>A on transcript NM_004586.3 (MANE Select); coding-DNA position 455, G replaced by A.
Protein change: p.Gly152Glu; replaces glycine 152 with glutamic acid.
Molecular consequence: missense variant.
Genome position (GRCh38, 1-based): chrX:20,194,220, C>T on the plus strand (G>A on the coding strand, the complement: RPS6KA3 is on the minus strand). VCF-style: chrX-20194220-C-T. GRCh37 (hg19) VCF-style: chrX-20212338-C-T.
Other names: short protein forms G152E.
Identifiers: ClinVar variation 3355090 (VCV003355090.1).